The following is an entry in ClinVar:

ClinVar aggregate classification (germline): Uncertain significance (1 of 4 stars; one submission).

Conditions:
KBG syndrome (KBGS). Also called: ANKRD11-Related KBG Syndrome. Identifiers: Orphanet 2332, MedGen C0220687, MONDO:0007846, OMIM 148050.

Allele frequency attached by ClinVar (database versions not stated): gnomAD exomes below 0.00001; gnomAD 0.00001; ExAC 0.00002; 1000 Genomes Project 0.00020; 1000 Genomes Project 30x 0.00031.
gnomAD v4.1: 3 of 1,613,534 alleles (0.00019%); highest among the groups gnomAD compares: Admixed American, 0.005%; no homozygotes.

Submission:

Labcorp Genetics (formerly Invitae), Labcorp
Classification: Uncertain significance for KBG syndrome. Last evaluated: 2023-08-07. Review status: criteria provided, single submitter. Criteria: Invitae Variant Classification Sherloc (09022015). Collection method: clinical testing. Allele origin: germline.
Comment: This variant is present in population databases (rs186899166, gnomAD 0.009%). This sequence change replaces glycine, which is neutral and non-polar, with aspartic acid, which is acidic and polar, at codon 464 of the ANKRD11 protein (p.Gly464Asp). In summary, the available evidence is currently insufficient to determine the role of this variant in disease. Therefore, it has been classified as a Variant of Uncertain Significance. Advanced modeling of protein sequence and biophysical properties (such as structural, functional, and spatial information, amino acid conservation, physicochemical variation, residue mobility, and thermodynamic stability) performed at Invitae indicates that this missense variant is not expected to disrupt ANKRD11 protein function. This variant has not been reported in the literature in individuals affected with ANKRD11-related conditions.

NM_013275.6(ANKRD11):c.1391G>A (p.Gly464Asp)

Gene: ANKRD11 (ankyrin repeat domain 11; minus strand). Cytogenetic location: 16q24.3.
Variant type: single nucleotide variant.
Coding change: c.1391G>A on transcript NM_013275.6 (MANE Select); coding-DNA position 1391, G replaced by A.
Protein change: p.Gly464Asp; replaces glycine 464 with aspartic acid.
Molecular consequence: missense variant.
Genome position (GRCh38, 1-based): chr16:89,285,151, C>T on the plus strand (G>A on the coding strand, the complement: ANKRD11 is on the minus strand). VCF-style: chr16-89285151-C-T. GRCh37 (hg19) VCF-style: chr16-89351559-C-T.
Other names: c.1391G>A, p.Gly464Asp (NM_001256182.2, NM_001256183.2); short protein forms G464D.
Identifiers: ClinVar variation 2728342 (VCV002728342.3), dbSNP rs186899166, ClinGen allele CA8242789.